The following is an entry in ClinVar:

NM_001379500.1(COL18A1):c.3937C>A (p.Leu1313Ile)

Genes: COL18A1 (collagen type XVIII alpha 1 chain; plus strand), SLC19A1 (solute carrier family 19 member 1; minus strand). Cytogenetic location: 21q22.3.
Variant type: single nucleotide variant.
Coding change: c.3937C>A on transcript NM_001379500.1 (MANE Select); coding-DNA position 3937, C replaced by A.
Protein change: p.Leu1313Ile; replaces leucine 1313 with isoleucine.
Molecular consequence: missense variant.
Genome position (GRCh38, 1-based): chr21:45,512,315, C>A. VCF-style: chr21-45512315-C-A. GRCh37 (hg19) VCF-style: chr21-46932229-C-A.
Other names: c.4468C>A, p.Leu1490Ile (NM_030582.4); c.5173C>A, p.Leu1725Ile (NM_130444.3); short protein forms L1725I, L1313I, L1490I.
Identifiers: ClinVar variation 2003256 (VCV002003256.4), dbSNP rs754620860, ClinGen allele CA10068140.

ClinVar aggregate classification (germline): Uncertain significance (1 of 4 stars; one submission).

Allele frequency attached by ClinVar (database versions not stated): gnomAD exomes below 0.00001; TOPMed below 0.00001; ExAC 0.00001; gnomAD 0.00001.
gnomAD v4.1: 2 of 1,612,414 alleles (0.00012%); highest among the groups gnomAD compares: African/African-American, 0.0027%; no homozygotes.

Submission:

Labcorp Genetics (formerly Invitae), Labcorp
Classification: Uncertain significance. Last evaluated: 2023-08-10. Review status: criteria provided, single submitter. Criteria: Invitae Variant Classification Sherloc (09022015). Collection method: clinical testing. Allele origin: germline.
Comment: In summary, the available evidence is currently insufficient to determine the role of this variant in disease. Therefore, it has been classified as a Variant of Uncertain Significance. Experimental studies and prediction algorithms are not available or were not evaluated, and the functional significance of this variant is currently unknown. This variant has not been reported in the literature in individuals affected with COL18A1-related conditions. This variant is present in population databases (rs754620860, gnomAD 0.007%). This sequence change replaces leucine, which is neutral and non-polar, with isoleucine, which is neutral and non-polar, at codon 1310 of the COL18A1 protein (p.Leu1310Ile).